The following is an entry in ClinVar:

ClinVar aggregate classification (germline): Uncertain significance. Review status: criteria provided, multiple submitters, no conflicts (2 of 4 stars). 3 submissions from 3 submitters: Uncertain significance (3). Last evaluated 2025-04-07.

Conditions:
RTEL1-related disorder. Also called: RTEL1-related condition; RTEL1-related disorders.
Pulmonary fibrosis and/or bone marrow failure, Telomere-related, 3. Also called: PULMONARY FIBROSIS AND/OR BONE MARROW FAILURE SYNDROME, TELOMERE-RELATED, 3. Identifiers: Orphanet 2032, MedGen C4225346, MONDO:0014613, OMIM 616373.
Dyskeratosis congenita, autosomal recessive 5 (DKCB5). Identifiers: MedGen C3554656, MONDO:0014076, OMIM 615190.
Inborn genetic diseases. Identifiers: MedGen C0950123, MeSH D030342.

Allele frequency attached by ClinVar (database versions not stated): TOPMed below 0.00001; gnomAD 0.00001; gnomAD exomes 0.00001; ExAC 0.00002; 1000 Genomes Project 30x 0.00016; 1000 Genomes Project 0.00020.
gnomAD v4.1: 4 of 1,612,420 alleles (0.00025%); highest among the groups gnomAD compares: Admixed American, 0.0067%; no homozygotes.

Submissions (3):

Labcorp Genetics (formerly Invitae), Labcorp
Classification: Uncertain significance for Dyskeratosis congenita, autosomal recessive 5; Pulmonary fibrosis and/or bone marrow failure, Telomere-related, 3. Last evaluated: 2025-04-07. Review status: criteria provided, single submitter. Criteria: Invitae Variant Classification Sherloc (09022015). Collection method: clinical testing. Allele origin: germline.
Comment: This sequence change replaces proline, which is neutral and non-polar, with serine, which is neutral and polar, at codon 1145 of the RTEL1 protein (p.Pro1145Ser). This variant is present in population databases (rs200563138, gnomAD 0.01%). This variant has not been reported in the literature in individuals affected with RTEL1-related conditions. ClinVar contains an entry for this variant (Variation ID: 2199416). An algorithm developed to predict the effect of missense changes on protein structure and function (PolyPhen-2) suggests that this variant is likely to be tolerated. In summary, the available evidence is currently insufficient to determine the role of this variant in disease. Therefore, it has been classified as a Variant of Uncertain Significance.

Ambry Genetics
Classification: Uncertain significance for Inborn genetic diseases. Last evaluated: 2024-12-29. Review status: criteria provided, single submitter. Criteria: Ambry Variant Classification Scheme 2023. Collection method: clinical testing. Allele origin: germline.
Comment: The p.P1145S variant (also known as c.3433C>T), located in coding exon 32 of the RTEL1 gene, results from a C to T substitution at nucleotide position 3433. The proline at codon 1145 is replaced by serine, an amino acid with similar properties. This amino acid position is conserved. In addition, this alteration is predicted to be tolerated by in silico analysis. Based on the available evidence, the clinical significance of this variant remains unclear.

PreventionGenetics, part of Exact Sciences
Classification: Uncertain significance for RTEL1-related condition. Last evaluated: 2023-09-28. Review status: criteria provided, single submitter. Criteria: ACMG Guidelines, 2015. Collection method: clinical testing. Allele origin: germline.
Comment: The RTEL1 c.3505C>T variant is predicted to result in the amino acid substitution p.Pro1169Ser. To our knowledge, this variant has not been reported in the literature. This variant is reported in 0.014% of alleles in individuals of Latino descent in gnomAD. At this time, the clinical significance of this variant is uncertain due to the absence of conclusive functional and genetic evidence.

NM_001283009.2(RTEL1):c.3433C>T (p.Pro1145Ser)

Genes: RTEL1 (regulator of telomere elongation helicase 1; plus strand), RTEL1-TNFRSF6B (RTEL1-TNFRSF6B readthrough (NMD candidate); plus strand). Cytogenetic location: 20q13.33.
Variant type: single nucleotide variant.
Coding change: c.3433C>T on transcript NM_001283009.2 (MANE Select); coding-DNA position 3433, C replaced by T.
Protein change: p.Pro1145Ser; replaces proline 1145 with serine.
Molecular consequence: missense variant. On other transcripts: non-coding transcript variant (1).
Genome position (GRCh38, 1-based): chr20:63,695,155, C>T. VCF-style: chr20-63695155-C-T. GRCh37 (hg19) VCF-style: chr20-62326508-C-T.
Other names: c.2764C>T, p.Pro922Ser (NM_001283010.1); c.3433C>T, p.Pro1145Ser (NM_016434.4); c.3505C>T, p.Pro1169Ser (NM_032957.5); c.3505C>T (NM_032957.4); short protein forms P1169S, P922S, P1145S.
Identifiers: ClinVar variation 2199416 (VCV002199416.4), dbSNP rs200563138, ClinGen allele CA9966029.